The following is an entry in ClinVar:

ClinVar aggregate classification (germline): Pathogenic/Likely pathogenic. Review status: criteria provided, multiple submitters, no conflicts (2 of 4 stars). 6 submissions from 6 submitters: Pathogenic (1); Likely pathogenic (4). 1 of the submissions does not count toward it. Last evaluated 2026-02-23.

Conditions:
Hereditary cancer-predisposing syndrome. Also called: Neoplastic Syndromes, Hereditary; Hereditary neoplastic syndrome; Hereditary Cancer Syndrome; Tumor predisposition. Identifiers: Orphanet 140162, MedGen C0027672, MeSH D009386, MONDO:0015356.
Ataxia-telangiectasia syndrome (AT). Also called: Ataxia-telangiectasia, complementation group D; Ataxia-telangiectasia, complementation group E; LOUIS-BAR SYNDROME; AT, COMPLEMENTATION GROUP C; ATAXIA-TELANGIECTASIA, COMPLEMENTATION GROUP A; ATAXIA-TELANGIECTASIA, FRESNO VARIANT. Identifiers: Orphanet 100, MedGen C0004135, MONDO:0008840, OMIM 208900.
Familial cancer of breast. Also called: hereditary breast carcinoma; Hereditary breast cancer; BREAST CANCER, FAMILIAL. Identifiers: Orphanet 227535, MedGen C0346153, MONDO:0016419, OMIM 114480. Disease mechanism: loss of function.

Allele frequency attached by ClinVar (database versions not stated): gnomAD exomes below 0.00001; ExAC 0.00001.

Submissions (6):

Ambry Genetics
Classification: Likely pathogenic for Hereditary cancer-predisposing syndrome. Last evaluated: 2026-02-23. Review status: criteria provided, single submitter. Criteria: Ambry Variant Classification Scheme 2023. Collection method: clinical testing. Allele origin: germline.
Comment: The c.8418+1G>A intronic variant results from a G to A substitution one nucleotide after coding exon 56 of the ATM gene. In silico splice site analysis predicts that this alteration will weaken the native splice donor site. A resulting transcript is predicted to be in-frame and is not expected to trigger nonsense-mediated mRNAdecay; although, direct evidence is unavailable. However, the region predicted to be impacted is critical for protein function (Ambry internal data). This nucleotide position is highly conserved in available vertebrate species. Based on the majority of available evidence to date, this variant is likely to be pathogenic.

Labcorp Genetics (formerly Invitae), Labcorp
Classification: Pathogenic for Ataxia-telangiectasia syndrome. Last evaluated: 2025-12-13. Review status: criteria provided, single submitter. Criteria: Invitae Variant Classification Sherloc (09022015). Collection method: clinical testing. Allele origin: germline.
Comment: This sequence change affects a donor splice site in intron 57 of the ATM gene. RNA analysis indicates that disruption of this splice site induces altered splicing and may result in an absent or altered protein product. This variant is present in population databases (rs766533795, gnomAD 0.0009%). This variant has not been reported in the literature in individuals affected with ATM-related conditions. ClinVar contains an entry for this variant (Variation ID: 370640). Studies have shown that disruption of this splice site results in skipping of exon 57, and produces a non-functional protein and/or introduces a premature termination codon (internal data). For these reasons, this variant has been classified as Pathogenic.

Molecular Pathology, Peter Maccallum Cancer Centre
Classification: Likely pathogenic for Ataxia-telangiectasia syndrome. Last evaluated: 2024-06-20. Review status: criteria provided, single submitter. Criteria: ACMG Guidelines, 2015. Collection method: clinical testing. Allele origin: germline. Inheritance: Autosomal recessive inheritance.

Myriad Genetics, Inc.
Classification: Likely pathogenic for Familial cancer of breast. Last evaluated: 2024-02-02. Review status: criteria provided, single submitter. Criteria: Myriad Autosomal Dominant, Autosomal Recessive and X-Linked Classification Criteria (2023). Collection method: clinical testing. Allele origin: unknown.
Comment: This variant is considered likely pathogenic. This variant occurs within a consensus splice junction and is predicted to result in abnormal mRNA splicing of either an out-of-frame exon or an in-frame exon necessary for protein stability and/or normal function.

Molecular Genetics, Royal Melbourne Hospital
Classification: Likely pathogenic for Familial cancer of breast. Last evaluated: 2023-03-30. Review status: criteria provided, single submitter. Criteria: ACMG Guidelines, 2015. Collection method: clinical testing. Allele origin: germline. Affected: no.
Comment: This sequence change in ATM occurs within the canonical splice donor site (+ 1) of intron 57. It is predicted to cause skipping of biologically relevant-exon 57/63, resulting in an in-frame deletion of a crucial region of the FATKIN domain (removes amino acids 2757-2806) that is expected to escape nonsense-mediated decay and remove <10% of the protein (ClinGen HBOP Cancer Expert Panel Specifications to the ACMG/AMP Variant Interpretation Guidelines for ATM Version 1.1). This variant is present in a single individual from the European (non-Finnish) population (1/113,426 alleles) in the population database gnomAD v2.1. To our knowledge, this variant has not been reported in the relevant scientific literature in any individuals with ATM-related disease. Based on the classification scheme RMH Modified ACMG Guidelines v1.5.1, this variant is classified as LIKELY PATHOGENIC. Following criteria are met: PVS1, PM2_Supporting.

Counsyl
Classification: Likely pathogenic for Ataxia-telangiectasia syndrome. Last evaluated: 2016-03-14. Review status: no assertion criteria provided. Collection method: clinical testing. Allele origin: unknown. Not counted in ClinVar's aggregate classification.

NM_000051.4(ATM):c.8418+1G>A

Genes: ATM (ATM serine/threonine kinase; plus strand), C11orf65 (chromosome 11 open reading frame 65; minus strand). Cytogenetic location: 11q22.3.
Variant type: single nucleotide variant.
Coding change: c.8418+1G>A on transcript NM_000051.4 (MANE Select); the canonical splice donor site of the intron after coding-DNA position 8418, G replaced by A.
Molecular consequence: splice donor variant. On other transcripts: intron variant (2).
Genome position (GRCh38, 1-based): chr11:108,343,372, G>A. VCF-style: chr11-108343372-G-A. GRCh37 (hg19) VCF-style: chr11-108214099-G-A.
Other names: c.8418+1G>A (NM_001351834.2); c.641-34301C>T (NM_001330368.2); c.695-8080C>T (NM_001351110.2).
Identifiers: ClinVar variation 370640 (VCV000370640.14), dbSNP rs766533795, ClinGen allele CA6266357.
Genomic context (GRCh38, chr11:108,343,372, plus strand): 5'-GCTCATAAAAGATACAGGCCAAATGATTTCAGTGCCTTTCAGTGCCAAAAGAAAATGATG[G>A]TGAGTGACACCCAAAATTAAAGGTTATTGTAAGATTATTTAATGGCTTATTAAAGCTGAC-3'